The following is an entry in ClinVar:

ClinVar aggregate classification (germline): Likely benign. Review status: criteria provided, multiple submitters, no conflicts (2 of 4 stars). 5 submissions from 5 submitters: Likely benign (4). 1 of the submissions does not count toward it. Last evaluated 2026-02-01.

Conditions:
ITPR1-related disorder. Also called: ITPR1-related condition.

Allele frequency attached by ClinVar (database versions not stated): TOPMed 0.00001; ExAC 0.00002; gnomAD exomes 0.00002.
gnomAD v4.1: 32 of 1,613,984 alleles (0.002%); highest among the groups gnomAD compares: Middle Eastern, 0.13%; no homozygotes.

Submissions (5):

CeGaT Center for Human Genetics Tuebingen
Classification: Likely benign. Last evaluated: 2026-02-01. Review status: criteria provided, single submitter. Criteria: CeGaT Center For Human Genetics Tuebingen Variant Classification Criteria Version 2. Collection method: clinical testing. Allele origin: germline. Affected: yes. Observed: 1 variant allele.
Comment: ITPR1: BP4, BP7

Blueprint Genetics
Classification: Likely benign. Last evaluated: 2024-11-04. Review status: criteria provided, single submitter. Criteria: ACMG Guidelines, 2015. Collection method: clinical testing. Allele origin: germline.

Athena Diagnostics
Classification: Likely benign. Last evaluated: 2024-10-01. Review status: criteria provided, single submitter. Criteria: Athena Diagnostics Criteria. Collection method: clinical testing. Allele origin: unknown.

Labcorp Genetics (formerly Invitae), Labcorp
Classification: Likely benign. Last evaluated: 2024-02-12. Review status: criteria provided, single submitter. Criteria: Invitae Variant Classification Sherloc (09022015). Collection method: clinical testing. Allele origin: germline.

PreventionGenetics, part of Exact Sciences
Classification: Likely benign for ITPR1-related condition. Last evaluated: 2020-09-28. Review status: no assertion criteria provided. Collection method: clinical testing. Allele origin: germline. Not counted in ClinVar's aggregate classification.
Comment: This variant is classified as likely benign based on ACMG/AMP sequence variant interpretation guidelines (Richards et al. 2015 PMID: 25741868, with internal and published modifications).

NM_001378452.1(ITPR1):c.4095C>T (p.Ile1365=)

Gene: ITPR1 (inositol 1,4,5-trisphosphate receptor type 1; plus strand). Cytogenetic location: 3p26.1.
Variant type: single nucleotide variant.
Coding change: c.4095C>T on transcript NM_001378452.1 (MANE Select); coding-DNA position 4095, C replaced by T.
Protein change: p.Ile1365=; no amino-acid change (isoleucine 1365 retained).
Molecular consequence: synonymous variant.
Genome position (GRCh38, 1-based): chr3:4,693,555, C>T. VCF-style: chr3-4693555-C-T. GRCh37 (hg19) VCF-style: chr3-4735239-C-T.
Other names: c.4023C>T (NM_002222.5); c.4068C>T, p.Ile1356= (NM_001099952.4); c.4050C>T, p.Ile1350= (NM_001168272.2); c.4023C>T, p.Ile1341= (NM_002222.7); c.4050C>T (NM_001168272.1).
Identifiers: ClinVar variation 2148350 (VCV002148350.12), dbSNP rs766648506, ClinGen allele CA2231893.